The following is an entry in ClinVar:

GRCh37/hg19 Xq21.1-24(chrX:77212972-118576590)x3

Genes: TNMD (tenomodulin; plus strand), TRMT2B (tRNA methyltransferase 2B; minus strand), TRPC5 (transient receptor potential cation channel subfamily C member 5; minus strand), TRPC5OS (TRPC5 opposite strand; plus strand), TSC22D3 (TSC22 domain family member 3; minus strand) and 156 more. Cytogenetic location: Xq21.1-24.
Variant type: copy number gain.
Change: copy number 3 of chrX:77,212,972-118,576,590 (41.36 Mb, GRCh37 coordinates, 1-based), cytogenetic band Xq21.1-24.
Identifiers: ClinVar variation 2684996 (VCV002684996.1).

ClinVar aggregate classification (germline): Pathogenic (1 of 4 stars; one submission).

Submission:

Quest Diagnostics Nichols Institute San Juan Capistrano
Classification: Pathogenic. Last evaluated: 2022-07-09. Review status: criteria provided, single submitter. Criteria: ACMG/ClinGen CNV Guidelines, 2019. Collection method: clinical testing. Allele origin: unknown.
Comment: The copy number gain of Xq21.1q24 involves numerous protein-coding genes, including PLP1 (OMIM 300401, Chen 2011, Parissone 2020). Duplication of PLP1 is associated with Pelizaeus-Merzbacher disease (PMD; OMIM 312080) and spastic paraplegia 2 (SPG2; OMIM 312920). Duplication size along with genomic content can be an important factor for penetrance of the PMD phenotype in females (Carvalho 2012, Wolf 1999, Masliah-Planchon 2015). Based on current medical literature and gene content, the classification of this gain is pathogenic. References:_x000D__x000D_ Carvalho et al., Clin Genet. 2012 Jun;81(6):532-41. PMID: 21623770_x000D__x000D_ Chen et al., Taiwan J Obstet Gynecol. 2011 Sep;50(3):339-44. PMID: 22030050_x000D__x000D_ Masliah-Planchon et al., BMC Med Genet. 2015 Sep 2;16:77. PMID: 26329556_x000D__x000D_ Parissone et al., Int J Pediatr Endocrinol. 2020;2020:1. PMID: 31938033_x000D__x000D_ Wolf et al., PLP1 Disorders. 1999 Jun [Updated 2019 Dec]. In: Adam et al., editors. GeneReviewsÂ® [Internet]. Seattle (WA): University of Washington, Seattle; 1993-2022.